The following is an entry in ClinVar:

ClinVar aggregate classification (germline): Conflicting classifications of pathogenicity. Review status: criteria provided, conflicting classifications (1 of 4 stars). 3 submissions from 3 submitters: Uncertain significance (1); Likely benign (2). Last evaluated 2026-01-07.

Conditions:
Familial acute necrotizing encephalopathy (IIAE3). Also called: Susceptibility to Acute Necrotizing Encephalopathy 1; ENCEPHALOPATHY, ACUTE, INFECTION-INDUCED, SUSCEPTIBILITY TO, 3. Identifiers: Orphanet 88619, MedGen C2675556, MONDO:0011953, OMIM 608033.

Allele frequency attached by ClinVar (database versions not stated): 1000 Genomes Project 30x 0.00031; 1000 Genomes Project 0.00040; gnomAD exomes 0.00059; ExAC 0.00082; TOPMed 0.00092; gnomAD 0.00102 and 0.00104.

Submissions (3):

GeneDx
Classification: Uncertain significance. Last evaluated: 2026-01-07. Review status: criteria provided, single submitter. Criteria: GeneDx Variant Classification Process June 2021. Collection method: clinical testing. Allele origin: germline. Affected: yes.
Comment: In silico analysis suggests that this missense variant does not alter protein structure/function; Has not been previously published as pathogenic or benign to our knowledge

Blueprint Genetics
Classification: Likely benign. Last evaluated: 2024-11-07. Review status: criteria provided, single submitter. Criteria: ACMG Guidelines, 2015. Collection method: clinical testing. Allele origin: germline.

Labcorp Genetics (formerly Invitae), Labcorp
Classification: Likely benign for Familial acute necrotizing encephalopathy. Last evaluated: 2024-04-16. Review status: criteria provided, single submitter. Criteria: Invitae Variant Classification Sherloc (09022015). Collection method: clinical testing. Allele origin: germline.

NM_006267.5(RANBP2):c.2230G>C (p.Glu744Gln)

Gene: RANBP2 (RAN binding protein 2; plus strand). Cytogenetic location: 2q13.
Variant type: single nucleotide variant.
Coding change: c.2230G>C on transcript NM_006267.5 (MANE Select); coding-DNA position 2230, G replaced by C.
Protein change: p.Glu744Gln; replaces glutamic acid 744 with glutamine.
Molecular consequence: missense variant.
Genome position (GRCh38, 1-based): chr2:108,754,932, G>C. VCF-style: chr2-108754932-G-C. GRCh37 (hg19) VCF-style: chr2-109371388-G-C.
Other names: short protein forms E744Q.
Identifiers: ClinVar variation 767381 (VCV000767381.16), dbSNP rs2912840, ClinGen allele CA1822607.
Genomic context (GRCh38, chr2:108,754,932, plus strand): 5'-TGAAAGCCCTTAATTAATGTCTTTTATTTTTAGTTGCCTGTGCCCCTGGAGTCTGTAAAA[G>C]AGATGCTTAATTCAGTCATGCAGGAACTCGAAGACTATAGTGAAGGAGGTCCTCTCTATA-3'
Protein context (NP_006258.3, residues 734-754): KLPVPLESVK[Glu744Gln]MLNSVMQELE